The following is an entry in ClinVar:

NM_001386140.1(MTTP):c.172C>T (p.Arg58Cys)

Gene: MTTP (microsomal triglyceride transfer protein; plus strand). Cytogenetic location: 4q23.
Variant type: single nucleotide variant.
Coding change: c.172C>T on transcript NM_001386140.1 (MANE Select); coding-DNA position 172, C replaced by T.
Protein change: p.Arg58Cys; replaces arginine 58 with cysteine.
Molecular consequence: missense variant. On other transcripts: 5 prime UTR variant (1).
Genome position (GRCh38, 1-based): chr4:99,582,015, C>T. VCF-style: chr4-99582015-C-T. GRCh37 (hg19) VCF-style: chr4-100503172-C-T.
Other names: c.172C>T, p.Arg58Cys (NM_000253.4); c.-78C>T (NM_001300785.2); short protein forms R58C.
Identifiers: ClinVar variation 2152898 (VCV002152898.1), dbSNP rs761103347, ClinGen allele CA3021760.

ClinVar aggregate classification (germline): Uncertain significance (1 of 4 stars; one submission).

Allele frequency attached by ClinVar (database versions not stated): ExAC 0.00001; gnomAD 0.00001; gnomAD exomes 0.00001.
gnomAD v4.1: 15 of 1,614,050 alleles (0.00093%); highest among the groups gnomAD compares: Non-Finnish European, 0.0012%; no homozygotes.

Submission:

Labcorp Genetics (formerly Invitae), Labcorp
Classification: Uncertain significance. Last evaluated: 2022-08-21. Review status: criteria provided, single submitter. Criteria: Invitae Variant Classification Sherloc (09022015). Collection method: clinical testing. Allele origin: germline.
Comment: This sequence change replaces arginine, which is basic and polar, with cysteine, which is neutral and slightly polar, at codon 58 of the MTTP protein (p.Arg58Cys). The frequency data for this variant in the population databases is considered unreliable, as metrics indicate poor data quality at this position in the gnomAD database. This variant has not been reported in the literature in individuals affected with MTTP-related conditions. Algorithms developed to predict the effect of missense changes on protein structure and function are either unavailable or do not agree on the potential impact of this missense change (SIFT: "Deleterious"; PolyPhen-2: "Possibly Damaging"; Align-GVGD: "Class C15"). In summary, the available evidence is currently insufficient to determine the role of this variant in disease. Therefore, it has been classified as a Variant of Uncertain Significance.